The following is an entry in ClinVar:

ClinVar aggregate classification (germline): Uncertain significance. Review status: criteria provided, multiple submitters, no conflicts (2 of 4 stars). 2 submissions from 2 submitters: Uncertain significance (2). Last evaluated 2024-10-30.

gnomAD v4.1: 7 of 1,564,590 alleles (0.00045%); highest among the groups gnomAD compares: East Asian, 0.0024%; no homozygotes.

Submissions (2):

Labcorp Genetics (formerly Invitae), Labcorp
Classification: Uncertain significance. Last evaluated: 2024-10-30. Review status: criteria provided, single submitter. Criteria: Invitae Variant Classification Sherloc (09022015). Collection method: clinical testing. Allele origin: germline.
Comment: This sequence change replaces arginine, which is basic and polar, with cysteine, which is neutral and slightly polar, at codon 72 of the DGKZ protein (p.Arg72Cys). The frequency data for this variant in the population databases is considered unreliable, as metrics indicate poor data quality at this position in the gnomAD database. This variant has not been reported in the literature in individuals affected with DGKZ-related conditions. An algorithm developed to predict the effect of missense changes on protein structure and function (PolyPhen-2) suggests that this variant is likely to be disruptive. In summary, the available evidence is currently insufficient to determine the role of this variant in disease. Therefore, it has been classified as a Variant of Uncertain Significance.

Ambry Genetics
Classification: Uncertain significance. Last evaluated: 2024-08-12. Review status: criteria provided, single submitter. Criteria: Ambry Variant Classification Scheme 2023. Collection method: clinical testing. Allele origin: germline.

NM_001199267.2(DGKZ):c.162-821C>T

Gene: DGKZ (diacylglycerol kinase zeta; plus strand). Cytogenetic location: 11p11.2.
Variant type: single nucleotide variant.
Coding change: c.162-821C>T on transcript NM_001199267.2 (MANE Select); 821 bases into the intron before coding-DNA position 162, C replaced by T.
Molecular consequence: intron variant. On other transcripts: missense variant (1).
Genome position (GRCh38, 1-based): chr11:46,366,470, C>T. VCF-style: chr11-46366470-C-T. GRCh37 (hg19) VCF-style: chr11-46388020-C-T.
Other names: c.214C>T, p.Arg72Cys (NM_001105540.2); c.213-821C>T (NM_201532.3); c.177-821C>T (NM_201533.3); c.162-821C>T (NM_001199266.2, NM_003646.4, NM_001199268.2); short protein forms R72C.
Identifiers: ClinVar variation 3501399 (VCV003501399.3).